The following is an entry in ClinVar:

ClinVar aggregate classification (germline): Conflicting classifications of pathogenicity. Review status: criteria provided, conflicting classifications (1 of 4 stars). 4 submissions from 4 submitters: Uncertain significance (2); Likely benign (2). Last evaluated 2024-04-01.

Conditions:
Hereditary breast ovarian cancer syndrome. Also called: BRCA1- and BRCA2-Associated Hereditary Breast and Ovarian Cancer; Hereditary breast and ovarian cancer syndrome; Hereditary breast and/or ovarian cancer syndrome; Hereditary breast and ovarian cancer syndrome (HBOC); Hereditary breast and ovarian cancer; Breast and ovarian cancer. Identifiers: Orphanet 145, MedGen C0677776, MeSH D061325, MONDO:0003582. Disease mechanism: loss of function.
Hereditary cancer-predisposing syndrome. Also called: Hereditary neoplastic syndrome; Neoplastic Syndromes, Hereditary; Hereditary Cancer Syndrome; Tumor predisposition. Identifiers: Orphanet 140162, MedGen C0027672, MeSH D009386, MONDO:0015356.

Submissions (4):

Ambry Genetics
Classification: Uncertain significance for Hereditary cancer-predisposing syndrome. Last evaluated: 2024-04-01. Review status: criteria provided, single submitter. Criteria: Ambry Variant Classification Scheme 2023. Collection method: clinical testing. Allele origin: germline.
Comment: The p.T2169N variant (also known as c.6506C>A), located in coding exon 10 of the BRCA2 gene, results from a C to A substitution at nucleotide position 6506. The threonine at codon 2169 is replaced by asparagine, an amino acid with similar properties. This amino acid position is conserved. In addition, this alteration is predicted to be tolerated by in silico analysis. Based on the available evidence, the clinical significance of this alteration remains unclear.

Blueprint Genetics
Classification: Likely benign. Last evaluated: 2023-04-03. Review status: criteria provided, single submitter. Criteria: ACMG Guidelines, 2015. Collection method: clinical testing. Allele origin: germline.

University of Washington Department of Laboratory Medicine, University of Washington
Classification: Likely benign for Hereditary cancer-predisposing syndrome. Last evaluated: 2023-03-23. Review status: criteria provided, single submitter. Criteria: Dines et al. (Genet Med. 2020). Collection method: curation. Allele origin: germline.
Comment: Missense variant in a coldspot region where missense variants are very unlikely to be pathogenic (PMID:31911673).

BRCA2 exon 11 coldspot. Reclassification based on statistical prior probability.

Labcorp Genetics (formerly Invitae), Labcorp
Classification: Uncertain significance for Hereditary breast ovarian cancer syndrome. Last evaluated: 2022-06-07. Review status: criteria provided, single submitter. Criteria: Invitae Variant Classification Sherloc (09022015). Collection method: clinical testing. Allele origin: germline.
Comment: This sequence change replaces threonine, which is neutral and polar, with asparagine, which is neutral and polar, at codon 2169 of the BRCA2 protein (p.Thr2169Asn). This variant is not present in population databases (gnomAD no frequency). This variant has not been reported in the literature in individuals affected with BRCA2-related conditions. ClinVar contains an entry for this variant (Variation ID: 462408). Advanced modeling of protein sequence and biophysical properties (such as structural, functional, and spatial information, amino acid conservation, physicochemical variation, residue mobility, and thermodynamic stability) performed at Invitae indicates that this missense variant is not expected to disrupt BRCA2 protein function. In summary, the available evidence is currently insufficient to determine the role of this variant in disease. Therefore, it has been classified as a Variant of Uncertain Significance.

NM_000059.4(BRCA2):c.6506C>A (p.Thr2169Asn)

Gene: BRCA2 (BRCA2 DNA repair associated; plus strand). Cytogenetic location: 13q13.1.
Variant type: single nucleotide variant.
Coding change: c.6506C>A on transcript NM_000059.4 (MANE Select); coding-DNA position 6506, C replaced by A.
Protein change: p.Thr2169Asn; replaces threonine 2169 with asparagine.
Molecular consequence: missense variant.
Genome position (GRCh38, 1-based): chr13:32,340,861, C>A. VCF-style: chr13-32340861-C-A. GRCh37 (hg19) VCF-style: chr13-32914998-C-A.
Other names: short protein forms T2169N.
Identifiers: ClinVar variation 462408 (VCV000462408.12), dbSNP rs1555284726, ClinGen allele CA387789564.